The following is an entry in ClinVar:

ClinVar aggregate classification (germline): Uncertain significance (1 of 4 stars; one submission).

Conditions:
Familial adenomatous polyposis 1 (FAP1). Also called: POLYPOSIS, ADENOMATOUS INTESTINAL; FAMILIAL ADENOMATOUS POLYPOSIS 1, ATTENUATED. Identifiers: MedGen C2713442, MONDO:0021056, OMIM 175100. Disease mechanism: loss of function.

Submission:

Labcorp Genetics (formerly Invitae), Labcorp
Classification: Uncertain significance for Familial adenomatous polyposis 1. Last evaluated: 2022-01-05. Review status: criteria provided, single submitter. Criteria: Invitae Variant Classification Sherloc (09022015). Collection method: clinical testing. Allele origin: germline.
Comment: This sequence change replaces serine, which is neutral and polar, with threonine, which is neutral and polar, at codon 1392 of the APC protein (p.Ser1392Thr). This variant is not present in population databases (gnomAD no frequency). In summary, the available evidence is currently insufficient to determine the role of this variant in disease. Therefore, it has been classified as a Variant of Uncertain Significance. Algorithms developed to predict the effect of missense changes on protein structure and function are either unavailable or do not agree on the potential impact of this missense change (SIFT: "Tolerated"; PolyPhen-2: "Probably Damaging"; Align-GVGD: "Class C0"). This variant has not been reported in the literature in individuals affected with APC-related conditions.

NM_000038.6(APC):c.4174T>A (p.Ser1392Thr)

Gene: APC (APC regulator of Wnt signaling pathway; plus strand). Cytogenetic location: 5q22.2.
Variant type: single nucleotide variant.
Coding change: c.4174T>A on transcript NM_000038.6 (MANE Select); coding-DNA position 4174, T replaced by A.
Protein change: p.Ser1392Thr; replaces serine 1392 with threonine.
Molecular consequence: missense variant.
Genome position (GRCh38, 1-based): chr5:112,839,768, T>A. VCF-style: chr5-112839768-T-A. GRCh37 (hg19) VCF-style: chr5-112175465-T-A.
Other names: c.4174T>A, p.Ser1392Thr (NM_001127510.3, NM_001354895.2, NM_001407450.1); c.4120T>A, p.Ser1374Thr (NM_001127511.3); c.4228T>A, p.Ser1410Thr (NM_001354896.2, NM_001407447.1, NM_001407448.1 and 1 more transcripts); c.4204T>A, p.Ser1402Thr (NM_001354897.2); c.4099T>A, p.Ser1367Thr (NM_001354898.2); c.4090T>A, p.Ser1364Thr (NM_001354899.2); c.4051T>A, p.Ser1351Thr (NM_001354900.2); c.3997T>A, p.Ser1333Thr (NM_001354901.2, NM_001407453.1); and 11 more; short protein forms S1263T, S1333T, S1382T, S1266T, S1301T, S1367T, S1385T, S1392T.
Identifiers: ClinVar variation 2075080 (VCV002075080.4), dbSNP rs2149908268, ClinGen allele CA16030476.
Genomic context (GRCh38, chr5:112,839,768, plus strand): 5'-CCACCTGAACACTATGTTCAGGAGACCCCACTCATGTTTAGCAGATGTACTTCTGTCAGT[T>A]CACTTGATAGTTTTGAGAGTCGTTCGATTGCCAGCTCCGTTCAGAGTGAACCATGCAGTG-3'
Protein context (NP_000029.2, residues 1382-1402): LMFSRCTSVS[Ser1392Thr]LDSFESRSIA